The following is an entry in ClinVar:

ClinVar aggregate classification (germline): Uncertain significance (1 of 4 stars; one submission).

gnomAD v4.1: 1 of 1,612,156 alleles (0.000062%); highest among the groups gnomAD compares: Non-Finnish European, 0.000085%; no homozygotes.

Submission:

Ambry Genetics
Classification: Uncertain significance. Last evaluated: 2026-04-12. Review status: criteria provided, single submitter. Criteria: Ambry Variant Classification Scheme 2023. Collection method: clinical testing. Allele origin: germline.
Comment: The p.Q345L variant (also known as c.1034A>T), located in coding exon 9 of the RAD51B gene, results from an A to T substitution at nucleotide position 1034. The glutamine at codon 345 is replaced by leucine, an amino acid with dissimilar properties. This amino acid position is conserved. In addition, this alteration is predicted to be tolerated by in silico analysis. Based on the available evidence, the clinical significance of this variant remains unclear.

NM_133510.4(RAD51B):c.1034A>T (p.Gln345Leu)

Gene: RAD51B (RAD51 paralog B; plus strand). Cytogenetic location: 14q24.1.
Variant type: single nucleotide variant.
Coding change: c.1034A>T on transcript NM_133510.4 (MANE Select); coding-DNA position 1034, A replaced by T.
Protein change: p.Gln345Leu; replaces glutamine 345 with leucine.
Molecular consequence: missense variant.
Genome position (GRCh38, 1-based): chr14:68,468,248, A>T. VCF-style: chr14-68468248-A-T. GRCh37 (hg19) VCF-style: chr14-68934965-A-T.
Other names: c.1034A>T, p.Gln345Leu (NM_002877.6, NM_133509.5, NM_001321809.2 and 6 more transcripts); c.920A>T, p.Gln307Leu (NM_001321815.1); c.677A>T, p.Gln226Leu (NM_001321817.2); short protein forms Q226L, Q307L, Q345L.
Identifiers: ClinVar variation 4862887 (VCV004862887.1).